The following is an entry in ClinVar:

ClinVar aggregate classification (germline): Uncertain significance. Review status: criteria provided, multiple submitters, no conflicts (2 of 4 stars). 3 submissions from 3 submitters: Uncertain significance (3). Last evaluated 2025-06-04.

Conditions:
Charcot-Marie-Tooth disease type 4B3. Also called: Charcot-Marie-Tooth Neuropathy Type 4B3; CHARCOT-MARIE-TOOTH DISEASE, DEMYELINATING, TYPE 4B3. Identifiers: Orphanet 363981, MedGen C3695063, MONDO:0014117, OMIM 615284.

Allele frequency attached by ClinVar (database versions not stated): TOPMed 0.00001; gnomAD 0.00003 and 0.00004; gnomAD exomes 0.00018; ExAC 0.00024.
gnomAD v4.1: 152 of 1,611,392 alleles (0.0094%); highest among the groups gnomAD compares: South Asian, 0.14%; no homozygotes.

Submissions (3):

Labcorp Genetics (formerly Invitae), Labcorp
Classification: Uncertain significance. Last evaluated: 2025-06-04. Review status: criteria provided, single submitter. Criteria: Invitae Variant Classification Sherloc (09022015). Collection method: clinical testing. Allele origin: germline.
Comment: This sequence change replaces alanine, which is neutral and non-polar, with threonine, which is neutral and polar, at codon 913 of the SBF1 protein (p.Ala913Thr). This variant is present in population databases (rs755038470, gnomAD 0.1%). This variant has not been reported in the literature in individuals affected with SBF1-related conditions. ClinVar contains an entry for this variant (Variation ID: 1423829). Invitae Evidence Modeling of protein sequence and biophysical properties (such as structural, functional, and spatial information, amino acid conservation, physicochemical variation, residue mobility, and thermodynamic stability) indicates that this missense variant is not expected to disrupt SBF1 protein function with a negative predictive value of 80%. In summary, the available evidence is currently insufficient to determine the role of this variant in disease. Therefore, it has been classified as a Variant of Uncertain Significance.

Ambry Genetics
Classification: Uncertain significance. Last evaluated: 2025-01-14. Review status: criteria provided, single submitter. Criteria: Ambry Variant Classification Scheme 2023. Collection method: clinical testing. Allele origin: germline.

ARUP Laboratories, Molecular Genetics and Genomics, ARUP Laboratories
Classification: Uncertain significance for Charcot-Marie-Tooth disease type 4B3. Last evaluated: 2023-11-01. Review status: criteria provided, single submitter. Criteria: ARUP Molecular Germline Variant Investigation Process 2024. Collection method: clinical testing. Allele origin: germline.

NM_002972.4(SBF1):c.2737G>A (p.Ala913Thr)

Gene: SBF1 (SET binding factor 1; minus strand). Cytogenetic location: 22q13.33.
Variant type: single nucleotide variant.
Coding change: c.2737G>A on transcript NM_002972.4 (MANE Select); coding-DNA position 2737, G replaced by A.
Protein change: p.Ala913Thr; replaces alanine 913 with threonine.
Molecular consequence: missense variant.
Genome position (GRCh38, 1-based): chr22:50,461,625, C>T on the plus strand (G>A on the coding strand, the complement: SBF1 is on the minus strand). VCF-style: chr22-50461625-C-T. GRCh37 (hg19) VCF-style: chr22-50900054-C-T.
Other names: c.2740G>A, p.Ala914Thr (NM_001365819.1); c.2737G>A (NM_002972.2); short protein forms A913T, A914T.
Identifiers: ClinVar variation 1423829 (VCV001423829.7), dbSNP rs755038470, ClinGen allele CA10317069.
Genomic context (GRCh38, chr22:50,461,625, plus strand): 5'-TGGTGAGGAAGACGGCGCCCTCAGCTGGGAGCAATGCTGGTCCCCCAGCACTGCCCCCCG[C>T]GCCCTCCTCACGCCCATCCGGCAGCAGGTAGACGCGCAGGCCGTCCAGCACACACTCCTC-3'
Protein context (NP_002963.2, residues 903-923): YLLPDGREEG[Ala913Thr]GGSAGGPALL